The following is an entry in ClinVar:

ClinVar aggregate classification (germline): Conflicting classifications of pathogenicity. Review status: criteria provided, conflicting classifications (1 of 4 stars). 3 submissions from 3 submitters: Likely pathogenic (1); Uncertain significance (2). Last evaluated 2024-12-27.

Conditions:
Familial thoracic aortic aneurysm and aortic dissection (TAAD). Also called: Thoracic aortic aneurysms and dissections. Identifiers: Orphanet 91387, MedGen C4707243, MONDO:0019625.
Marfan syndrome (MFS). Also called: FBN1-Related Marfan Syndrome; Marfan syndrome type 1; Marfan's syndrome; Marfan syndrome, classic; MARFAN SYNDROME, TYPE I. Identifiers: Orphanet 284963, Orphanet 558, MedGen C0024796, MONDO:0007947, OMIM 154700.

Submissions (3):

Women's Health and Genetics/Laboratory Corporation of America, LabCorp
Classification: Uncertain significance. Last evaluated: 2024-12-27. Review status: criteria provided, single submitter. Criteria: LabCorp Variant Classification Summary - May 2015. Collection method: clinical testing. Allele origin: germline.
Comment: Variant summary: FBN1 c.8597T>A (p.Ile2866Asn) results in a non-conservative amino acid change in the encoded protein sequence. Five of five in-silico tools predict a damaging effect of the variant on protein function. The variant was absent in 251072 control chromosomes (gnomAD). c.8597T>A has been reported in the literature in individuals affected with Marfan Syndrome or related phenotypes, including aortic dissection (Chen_2021, and Labcorp Genetics (formerly Invitae) internal data). These data indicate that the variant may be associated with disease. To our knowledge, no experimental evidence demonstrating an impact on protein function has been reported. The following publication has been ascertained in the context of this evaluation (PMID: 34422331). ClinVar contains an entry for this variant (Variation ID: 650768). Based on the evidence outlined above, the variant was classified as VUS-possibly pathogenic.

CHEO Genetics Diagnostic Laboratory, Children's Hospital of Eastern Ontario
Classification: Likely pathogenic for Familial thoracic aortic aneurysm and aortic dissection. Last evaluated: 2020-11-30. Review status: criteria provided, single submitter. Criteria: ACMG Guidelines, 2015. Collection method: clinical testing. Allele origin: germline.

Labcorp Genetics (formerly Invitae), Labcorp
Classification: Uncertain significance for Marfan syndrome; Familial thoracic aortic aneurysm and aortic dissection. Last evaluated: 2020-01-24. Review status: criteria provided, single submitter. Criteria: Invitae Variant Classification Sherloc (09022015). Collection method: clinical testing. Allele origin: germline.
Comment: This variant is not present in population databases (ExAC no frequency). This sequence change replaces isoleucine with asparagine at codon 2866 of the FBN1 protein (p.Ile2866Asn). The isoleucine residue is moderately conserved and there is a large physicochemical difference between isoleucine and asparagine. In summary, the available evidence is currently insufficient to determine the role of this variant in disease. Therefore, it has been classified as a Variant of Uncertain Significance. Algorithms developed to predict the effect of missense changes on protein structure and function are either unavailable or do not agree on the potential impact of this missense change (SIFT: "Deleterious"; PolyPhen-2: "Possibly Damaging"; Align-GVGD: "Class C0"). This variant has been observed in individual(s) with Marfan syndrome (Invitae). It has also been observed to segregate with disease in related individuals.

Literature cited by the submitters: PubMed 34422331 (cited by Women's Health and Genetics/Laboratory Corporation of America, LabCorp).

NM_000138.5(FBN1):c.8597T>A (p.Ile2866Asn)

Gene: FBN1 (fibrillin 1; minus strand). Cytogenetic location: 15q21.1.
Variant type: single nucleotide variant.
Coding change: c.8597T>A on transcript NM_000138.5 (MANE Select); coding-DNA position 8597, T replaced by A.
Protein change: p.Ile2866Asn; replaces isoleucine 2866 with asparagine.
Molecular consequence: missense variant.
Genome position (GRCh38, 1-based): chr15:48,411,009, A>T on the plus strand (T>A on the coding strand, the complement: FBN1 is on the minus strand). VCF-style: chr15-48411009-A-T. GRCh37 (hg19) VCF-style: chr15-48703206-A-T.
Other names: short protein forms I2866N.
Identifiers: ClinVar variation 650768 (VCV000650768.14), dbSNP rs1597506544, ClinGen allele CA392318423.